The following is an entry in ClinVar:

ClinVar aggregate classification (germline): Uncertain significance. Review status: criteria provided, multiple submitters, no conflicts (2 of 4 stars). 2 submissions from 2 submitters: Uncertain significance (2). Last evaluated 2024-06-24.

Conditions:
ABCC6-related disorder. Also called: ABCC6-related condition.
Arterial calcification, generalized, of infancy, 2. Identifiers: Orphanet 51608, MedGen C3276161, MONDO:0013768, OMIM 614473.
Autosomal recessive inherited pseudoxanthoma elasticum (PXE). Identifiers: Orphanet 758, MedGen CN032334, MONDO:0009925, OMIM 264800.
Pseudoxanthoma elasticum, forme fruste. Also called: Pseudoxanthoma Elasticum, Incomplete; PSEUDOXANTHOMA ELASTICUM, HETEROZYGOUS. Identifiers: Orphanet 758, MedGen C1867450, MONDO:0008333, OMIM 177850.

Allele frequency attached by ClinVar (database versions not stated): gnomAD 0.00002; TOPMed 0.00003.
gnomAD v4.1: 40 of 1,611,234 alleles (0.0025%); highest among the groups gnomAD compares: Admixed American, 0.017%; no homozygotes.

Submissions (2):

Fulgent Genetics
Classification: Uncertain significance for Pseudoxanthoma elasticum, forme fruste; Autosomal recessive inherited pseudoxanthoma elasticum; Arterial calcification, generalized, of infancy, 2. Last evaluated: 2024-06-24. Review status: criteria provided, single submitter. Criteria: ACMG Guidelines, 2015. Collection method: clinical testing. Allele origin: germline.

PreventionGenetics, part of Exact Sciences
Classification: Uncertain significance for ABCC6-related condition. Last evaluated: 2022-10-04. Review status: criteria provided, single submitter. Criteria: ACMG Guidelines, 2015. Collection method: clinical testing. Allele origin: germline.
Comment: The ABCC6 c.2959C>T variant is predicted to result in the amino acid substitution p.Arg987Cys. To our knowledge, this variant has not been reported in the literature. This variant is reported in 0.017% of alleles in individuals of Latino descent in gnomAD. At this time, the clinical significance of this variant is uncertain due to the absence of conclusive functional and genetic evidence.

NM_001171.6(ABCC6):c.2959C>T (p.Arg987Cys)

Gene: ABCC6 (ATP binding cassette subfamily C member 6; minus strand). Cytogenetic location: 16p13.11.
Variant type: single nucleotide variant.
Coding change: c.2959C>T on transcript NM_001171.6 (MANE Select); coding-DNA position 2959, C replaced by T.
Protein change: p.Arg987Cys; replaces arginine 987 with cysteine.
Molecular consequence: missense variant. On other transcripts: non-coding transcript variant (1).
Genome position (GRCh38, 1-based): chr16:16,169,682, G>A on the plus strand (C>T on the coding strand, the complement: ABCC6 is on the minus strand). VCF-style: chr16-16169682-G-A. GRCh37 (hg19) VCF-style: chr16-16263539-G-A.
Other names: c.2617C>T, p.Arg873Cys (NM_001351800.1); short protein forms R873C, R987C.
Identifiers: ClinVar variation 2629266 (VCV002629266.2), dbSNP rs761565275, ClinGen allele CA278636004.